The following is an entry in ClinVar:

NM_015570.4(AUTS2):c.3067C>G (p.Pro1023Ala)

Gene: AUTS2 (activator of transcription and developmental regulator AUTS2; plus strand). Cytogenetic location: 7q11.22.
Variant type: single nucleotide variant.
Coding change: c.3067C>G on transcript NM_015570.4 (MANE Select); coding-DNA position 3067, C replaced by G.
Protein change: p.Pro1023Ala; replaces proline 1023 with alanine.
Molecular consequence: missense variant.
Genome position (GRCh38, 1-based): chr7:70,790,283, C>G. VCF-style: chr7-70790283-C-G. GRCh37 (hg19) VCF-style: chr7-70255269-C-G.
Other names: c.2995C>G, p.Pro999Ala (NM_001127231.3); short protein forms P1023A, P999A.
Identifiers: ClinVar variation 5037238 (VCV005037238.1).
Genomic context (GRCh38, chr7:70,790,283, plus strand): 5'-TCGGAGCCGCCGCCTCCCAACTCCTCGTCCAGCGTGCACCCGGGGCCCCTGGCCTCGATG[C>G]CCATGACGGTGGGGGTGACGGGCATTCACCCCATGAACAGCATCAGCAGCCTGGACAGGA-3'
Protein context (NP_056385.1, residues 1013-1033): SVHPGPLASM[Pro1023Ala]MTVGVTGIHP

ClinVar aggregate classification (germline): Uncertain significance (1 of 4 stars; one submission).

gnomAD v4.1: 3 of 1,613,248 alleles (0.00019%); highest among the groups gnomAD compares: Non-Finnish European, 0.00025%; no homozygotes.

Submission:

GeneDx
Classification: Uncertain significance. Last evaluated: 2026-04-16. Review status: criteria provided, single submitter. Criteria: GeneDx Variant Classification Process June 2021. Collection method: clinical testing. Allele origin: germline.
Comment: Not observed at significant frequency in large population cohorts (gnomAD); In silico analysis supports that this missense variant has a deleterious effect on protein structure/function; Has not been previously published as pathogenic or benign to our knowledge